The following is an entry in ClinVar:

ClinVar aggregate classification (germline): Uncertain significance (1 of 4 stars; one submission).

Conditions:
Emery-Dreifuss muscular dystrophy (EDMD). Also called: Scapuloperoneal syndrome, X-linked (formerly); Humeroperoneal neuromuscular disease, (formerly). Identifiers: Orphanet 261, MedGen C0410189, MONDO:0016830.

Submission:

Labcorp Genetics (formerly Invitae), Labcorp
Classification: Uncertain significance for Emery-Dreifuss muscular dystrophy. Last evaluated: 2022-12-04. Review status: criteria provided, single submitter. Criteria: Invitae Variant Classification Sherloc (09022015). Collection method: clinical testing. Allele origin: germline.
Comment: In summary, the available evidence is currently insufficient to determine the role of this variant in disease. Therefore, it has been classified as a Variant of Uncertain Significance. Algorithms developed to predict the effect of missense changes on protein structure and function output the following: SIFT: "Tolerated"; PolyPhen-2: "Benign"; Align-GVGD: "Class C0". The arginine amino acid residue is found in multiple mammalian species, which suggests that this missense change does not adversely affect protein function. This variant has not been reported in the literature in individuals affected with SUN1-related conditions. This sequence change replaces glutamine, which is neutral and polar, with arginine, which is basic and polar, at codon 453 of the SUN1 protein (p.Gln453Arg). This variant is not present in population databases (gnomAD no frequency).

NM_001130965.3(SUN1):c.1358A>G (p.Gln453Arg)

Gene: SUN1 (Sad1 and UNC84 domain containing 1; plus strand). Cytogenetic location: 7p22.3.
Variant type: single nucleotide variant.
Coding change: c.1358A>G on transcript NM_001130965.3 (MANE Select); coding-DNA position 1358, A replaced by G.
Protein change: p.Gln453Arg; replaces glutamine 453 with arginine.
Molecular consequence: missense variant. On other transcripts: non-coding transcript variant (3).
Genome position (GRCh38, 1-based): chr7:856,365, A>G. VCF-style: chr7-856365-A-G. GRCh37 (hg19) VCF-style: chr7-896002-A-G.
Other names: c.1049A>G, p.Gln350Arg (NM_001171944.2); c.1358A>G, p.Gln453Arg (NM_001367633.1, NM_001367634.1, NM_001367653.1); c.1007A>G, p.Gln336Arg (NM_001367635.1); c.1598A>G, p.Gln533Arg (NM_001367636.1, NM_001367691.1); c.1466A>G, p.Gln489Arg (NM_001367638.1); c.899A>G, p.Gln300Arg (NM_001367639.1); c.1538A>G, p.Gln513Arg (NM_001367640.1); c.1640A>G, p.Gln547Arg (NM_001367641.1, NM_001367682.1); and 43 more; short protein forms Q370R, Q392R, Q430R, Q431R, Q469R, Q480R, Q489R, Q496R.
Identifiers: ClinVar variation 2847731 (VCV002847731.3), dbSNP rs2487757972, ClinGen allele CA366532370.